The following is an entry in ClinVar:

NM_001854.4(COL11A1):c.2755-2A>G

Gene: COL11A1 (collagen type XI alpha 1 chain; minus strand). Cytogenetic location: 1p21.1.
Variant type: single nucleotide variant.
Coding change: c.2755-2A>G on transcript NM_001854.4 (MANE Select); the canonical splice acceptor site of the intron before coding-DNA position 2755, A replaced by G.
Molecular consequence: splice acceptor variant.
Genome position (GRCh38, 1-based): chr1:102,974,885, T>C on the plus strand (A>G on the coding strand, the complement: COL11A1 is on the minus strand). VCF-style: chr1-102974885-T-C. GRCh37 (hg19) VCF-style: chr1-103440441-T-C.
Other names: c.2638-2A>G (NM_001190709.2); c.2791-2A>G (NM_080629.3); c.2407-2A>G (NM_080630.4).
Identifiers: ClinVar variation 1184490 (VCV001184490.5), dbSNP rs2101653580, ClinGen allele CA341162272.

ClinVar aggregate classification (germline): Pathogenic. Review status: criteria provided, single submitter (1 of 4 stars). 2 submissions from 2 submitters: Pathogenic (1). 1 of the submissions does not count toward it. Last evaluated 2021-04-02.

Conditions:
Stickler syndrome type 2 (STL2). Also called: STICKLER SYNDROME, TYPE II; COL11A1-Related Stickler Syndrome; STICKLER SYNDROME, BEADED VITREOUS TYPE; STICKLER SYNDROME, VITREOUS TYPE 2. Identifiers: Orphanet 828, Orphanet 90654, MedGen C1858084, MONDO:0011493, OMIM 604841.

Submissions (2):

GeneDx
Classification: Pathogenic. Last evaluated: 2021-04-02. Review status: criteria provided, single submitter. Criteria: GeneDx Variant Classification Process June 2021. Collection method: clinical testing. Allele origin: germline. Affected: yes.
Comment: Not observed in large population cohorts (Lek et al., 2016); Canonical splice site variant expected to result in aberrant splicing, although in the absence of functional evidence the actual effect of this sequence change is unknown.; This variant is associated with the following publications: (PMID: 33494148)

Genomics England Pilot Project, Genomics England
Classification: Likely pathogenic for Stickler syndrome type 2. Review status: no assertion criteria provided. Criteria: ACGS Guidelines, 2016. Collection method: clinical testing. Allele origin: germline. Affected: yes. Not counted in ClinVar's aggregate classification.